The following is an entry in ClinVar:

NM_006509.4(RELB):c.1277-3C>T

Gene: RELB (RELB proto-oncogene, NF-kB subunit; plus strand). Cytogenetic location: 19q13.32.
Variant type: single nucleotide variant.
Coding change: c.1277-3C>T on transcript NM_006509.4 (MANE Select); 3 bases into the intron before coding-DNA position 1277, C replaced by T.
Molecular consequence: intron variant.
Genome position (GRCh38, 1-based): chr19:45,034,448, C>T. VCF-style: chr19-45034448-C-T. GRCh37 (hg19) VCF-style: chr19-45537706-C-T.
Identifiers: ClinVar variation 1470633 (VCV001470633.6), dbSNP rs2122495081, ClinGen allele CA2573156447.

ClinVar aggregate classification (germline): Uncertain significance (1 of 4 stars; one submission).

Allele frequency attached by ClinVar (database versions not stated): gnomAD exomes below 0.00001.
gnomAD v4.1: 1 of 1,612,138 alleles (0.000062%); highest among the groups gnomAD compares: Non-Finnish European, 0.000085%; no homozygotes.

Submission:

Labcorp Genetics (formerly Invitae), Labcorp
Classification: Uncertain significance. Last evaluated: 2021-08-18. Review status: criteria provided, single submitter. Criteria: Invitae Variant Classification Sherloc (09022015). Collection method: clinical testing. Allele origin: germline.
Comment: This variant has not been reported in the literature in individuals affected with RELB-related conditions. This variant is not present in population databases (ExAC no frequency). This sequence change falls in intron 10 of the RELB gene. It does not directly change the encoded amino acid sequence of the RELB protein. It affects a nucleotide within the consensus splice site of the intron. Variants that disrupt the consensus splice site are a relatively common cause of aberrant splicing (PMID: 17576681, 9536098). Algorithms developed to predict the effect of sequence changes on RNA splicing suggest that this variant is not likely to affect RNA splicing. In summary, the available evidence is currently insufficient to determine the role of this variant in disease. Therefore, it has been classified as a Variant of Uncertain Significance.

Literature cited by the submitters: PubMed 17576681; PubMed 9536098.